The following is an entry in ClinVar:

NM_001291415.2(KDM6A):c.4060C>T (p.Gln1354Ter)

Gene: KDM6A (lysine demethylase 6A; plus strand). Cytogenetic location: Xp11.3.
Variant type: single nucleotide variant.
Coding change: c.4060C>T on transcript NM_001291415.2 (MANE Select); coding-DNA position 4060, C replaced by T.
Protein change: p.Gln1354Ter; replaces glutamine 1354 with a stop codon.
Molecular consequence: nonsense. On other transcripts: non-coding transcript variant (1).
Genome position (GRCh38, 1-based): chrX:45,107,435, C>T. VCF-style: chrX-45107435-C-T. GRCh37 (hg19) VCF-style: chrX-44966680-C-T.
Other names: c.3925C>T, p.Gln1309Ter (NM_001291416.2); c.3769C>T, p.Gln1257Ter (NM_001291417.2); c.3667C>T, p.Gln1223Ter (NM_001291418.2); c.3016C>T, p.Gln1006Ter (NM_001291421.2); c.3904C>T, p.Gln1302Ter (NM_021140.4); short protein forms Q1302*, Q1354*, Q1223*, Q1257*, Q1006*, Q1309*.
Identifiers: ClinVar variation 546019 (VCV000546019.2), dbSNP rs1556375815, ClinGen allele CA412774505.

ClinVar aggregate classification (germline): Pathogenic (1 of 4 stars; one submission).

Submission:

GeneDx
Classification: Pathogenic. Last evaluated: 2018-04-27. Review status: criteria provided, single submitter. Criteria: GeneDx Variant Classification (06012015). Collection method: clinical testing. Allele origin: germline. Affected: yes.
Comment: The Q1302X variant in the KDM6A gene has not been reported previously as a pathogenic variant nor as a benign variant, to our knowledge. This variant is predicted to cause loss of normal protein function either through protein truncation or nonsense-mediated mRNA decay. The Q1302X variant is not observed in large population cohorts (Lek et al., 2016). We interpret Q1302X as a pathogenic variant.